The following is an entry in ClinVar:

ClinVar aggregate classification (germline): Likely pathogenic (1 of 4 stars; one submission).

Conditions:
Dilated cardiomyopathy 1G (CMD1G). Identifiers: Orphanet 154, MedGen C1858763, MONDO:0011400, OMIM 604145.
Autosomal recessive limb-girdle muscular dystrophy type 2J (LGMDR10). Also called: Limb-girdle muscular dystrophy, type 2J; MUSCULAR DYSTROPHY, LIMB-GIRDLE, AUTOSOMAL RECESSIVE 10. Identifiers: Orphanet 140922, MedGen C1837342, MONDO:0012127, OMIM 608807.

Submission:

Labcorp Genetics (formerly Invitae), Labcorp
Classification: Likely pathogenic for Dilated cardiomyopathy 1G; Autosomal recessive limb-girdle muscular dystrophy type 2J. Last evaluated: 2024-10-18. Review status: criteria provided, single submitter. Criteria: Invitae Variant Classification Sherloc (09022015). Collection method: clinical testing. Allele origin: germline.
Comment: This sequence change creates a premature translational stop signal (p.Leu2713Glufs*21) in the TTN gene. While this is not anticipated to result in nonsense mediated decay, it is expected to create a truncated TTN protein. This variant is not present in population databases (gnomAD no frequency). This variant has not been reported in the literature in individuals affected with TTN-related conditions. This variant is located in the I band of TTN (PMID: 25589632). Truncating variants in this region have been reported in individuals affected with autosomal recessive centronuclear myopathy (PMID: 23975875, internal data). Truncating variants in this region have also been identified in individuals affected with autosomal dominant dilated cardiomyopathy and/or cardio-related conditions (PMID: 27869827, 32964742, internal data). In summary, the currently available evidence indicates that the variant is pathogenic, but additional data are needed to prove that conclusively. Therefore, this variant has been classified as Likely Pathogenic.

Literature cited by the submitters: PubMed 25589632; PubMed 23975875; PubMed 27869827; PubMed 32964742.

NM_001267550.2(TTN):c.8137_8138del (p.Leu2713fs)

Gene: TTN (titin; minus strand). Cytogenetic location: 2q31.2.
Variant type: Microsatellite.
Coding change: c.8137_8138del on transcript NM_001267550.2 (MANE Select); coding-DNA positions 8137 to 8138, 2 bases deleted (CT; older notation c.8137_8138delCT).
Protein change: p.Leu2713fs; shifts the reading frame from leucine 2713.
Molecular consequence: frameshift variant.
Genome position (GRCh38, 1-based): chr2:178,770,654-178,770,655, AG deleted on the plus strand (CT on the coding strand, the reverse complement: TTN is on the minus strand); deleting any 2 consecutive bases within chr2:178,770,654-178,770,657 gives the same sequence; the c. name uses the placement nearest the transcript's 3' end. VCF-style (leftmost placement, unchanged base first): chr2-178770653-CAG-C. GRCh37 (hg19) VCF-style: chr2-179635380-CAG-C.
Other names: c.8137_8138del, p.Leu2713fs (NM_001256850.1, NM_133378.4, NM_133379.5); c.7999_8000del, p.Leu2667fs (NM_003319.4, NM_133432.3, NM_133437.4); short protein forms L2667fs, L2713fs.
Identifiers: ClinVar variation 2952227 (VCV002952227.3), dbSNP rs2532509972, ClinGen allele CA2740096299.